The following is an entry in ClinVar:

NM_000540.3(RYR1):c.3963G>C (p.Glu1321Asp)

Gene: RYR1 (ryanodine receptor 1; plus strand). Cytogenetic location: 19q13.2.
Variant type: single nucleotide variant.
Coding change: c.3963G>C on transcript NM_000540.3 (MANE Select); coding-DNA position 3963, G replaced by C.
Protein change: p.Glu1321Asp; replaces glutamic acid 1321 with aspartic acid.
Molecular consequence: missense variant.
Genome position (GRCh38, 1-based): chr19:38,473,574, G>C. VCF-style: chr19-38473574-G-C. GRCh37 (hg19) VCF-style: chr19-38964214-G-C.
Other names: c.3963G>C, p.Glu1321Asp (NM_001042723.2); short protein forms E1321D.
Identifiers: ClinVar variation 3070378 (VCV003070378.1), dbSNP rs2514147386, ClinGen allele CA405642349.
Genomic context (GRCh38, chr19:38,473,574, plus strand): 5'-CTGCACTGCAGGGGCCACCCCGCTGGCACCTCCTGGCCTGCAGCCCCCCGCCGAGGACGA[G>C]GCCCGGGCGGCGGAACCCGACCCTGACTACGAAAACCTGCGCCGCTCAGCTGGGGGCTGG-3'
Protein context (NP_000531.2, residues 1311-1331): PPGLQPPAED[Glu1321Asp]ARAAEPDPDY

ClinVar aggregate classification (germline): Uncertain significance (1 of 4 stars; one submission).

Conditions:
Malignant hyperthermia, susceptibility to, 1 (MHS1). Also called: RYR1-Related Malignant Hyperthermia Susceptibility; Anesthesia related hyperthermia; Malignant hyperpyrexia; Fulminating hyperpyrexia; Pharmacogenic myopathy; Malignant hyperthermia suceptibility 1. Identifiers: Orphanet 423, MedGen C2930980, MONDO:0007783, OMIM 145600.

Submission:

All of Us Research Program, National Institutes of Health
Classification: Uncertain significance for Malignant hyperthermia, susceptibility to, 1. Last evaluated: 2023-04-10. Review status: criteria provided, single submitter. Criteria: ACMG Guidelines, 2015. Collection method: clinical testing. Allele origin: germline. Inheritance: Autosomal dominant inheritance. Observed: 1 variant allele, 1 heterozygote.
Comment: This missense variant replaces glutamic acid with aspartic acid at codon 1321 of the RYR1 protein. Computational prediction suggests that this variant may not impact protein structure and function (internally defined REVEL score threshold <= 0.5, PMID: 27666373). To our knowledge, functional studies have not been reported for this variant. This variant has not been reported in individuals affected with RYR1-related disorders in the literature. This variant has not been identified in the general population by the Genome Aggregation Database (gnomAD). The available evidence is insufficient to determine the role of this variant in disease conclusively. Therefore, this variant is classified as a Variant of Uncertain Significance.

This study involves interpretation of variants in research participants for the purpose of population health screening. Participant phenotype was not available at the time of variant classification. Additional details can be found in publication PMID: 35346344, PMCID: PMC8962531